The following is an entry in ClinVar:

ClinVar aggregate classification (germline): Uncertain significance (1 of 4 stars; one submission).

Conditions:
Hereditary motor and sensory neuropathy, Okinawa type (HMSNO). Also called: HEREDITARY MOTOR AND SENSORY NEUROPATHY, PROXIMAL TYPE. Identifiers: Orphanet 90117, MedGen C1858338, MONDO:0011468, OMIM 604484.
Hereditary spastic paraplegia 57. Also called: Spastic paraplegia 57, autosomal recessive. Identifiers: Orphanet 431329, MedGen C3714897, MONDO:0014295, OMIM 615658.

Submission:

Labcorp Genetics (formerly Invitae), Labcorp
Classification: Uncertain significance for Hereditary motor and sensory neuropathy, Okinawa type; Hereditary spastic paraplegia 57. Last evaluated: 2020-05-04. Review status: criteria provided, single submitter. Criteria: Invitae Variant Classification Sherloc (09022015). Collection method: clinical testing. Allele origin: germline.
Comment: In summary, the available evidence is currently insufficient to determine the role of this variant in disease. Therefore, it has been classified as a Variant of Uncertain Significance. Experimental studies and prediction algorithms are not available or were not evaluated, and the functional significance of this variant is currently unknown. This variant has not been reported in the literature in individuals with TFG-related conditions. This variant is an in-frame deletion of the genomic region encompassing exon(s) 6-7 of the TFG gene. It preserves the integrity of the reading frame.

NC_000003.11:g.(?_100455410)_(100463785_?)del

Gene: TFG (trafficking from ER to golgi regulator; plus strand). Cytogenetic location: 3q12.2.
Variant type: Deletion.
Identifiers: ClinVar variation 1062624 (VCV001062624.5).